The following is an entry in ClinVar:

ClinVar aggregate classification (germline): Uncertain significance (1 of 4 stars; one submission).

Submission:

Women's Health and Genetics/Laboratory Corporation of America, LabCorp
Classification: Uncertain significance. Last evaluated: 2025-12-30. Review status: criteria provided, single submitter. Criteria: LabCorp Variant Classification Summary - May 2015. Collection method: clinical testing. Allele origin: germline.
Comment: Variant summary: The variant involves the duplication of exons 1-6 in the RS1 gene. A presumed nomenclature of c.(?_-41)_(*2317_?)dup has been designated for the purposes of this classification. This duplication includes the entire coding sequence of the gene. As exact breakpoints are unknown, it may extend beyond the annotated region of the gene, to include other flanking genes. The variant was absent in 16120 control chromosomes in the gnomAD database (Structural Variants v2.1 dataset). The available data on variant occurrences in the general population are insufficient to allow any conclusion about variant significance. To our knowledge, no occurrence of c.(?_-41)_(*2317_?)dup in individuals affected with RS1-related conditions and no experimental evidence demonstrating its impact on protein function have been reported. ClinVar contains an entry for this variant (Variation ID: 2422906). Based on the evidence outlined above, the variant was classified as uncertain significance.

NC_000023.10:g.(?_18657807)_(18690229_?)dup

Genes: CDKL5 (cyclin dependent kinase like 5; plus strand), RS1 (retinoschisin 1; minus strand). Cytogenetic location: Xp22.13.
Variant type: Duplication.
Identifiers: ClinVar variation 4688462 (VCV004688462.1).